The following is an entry in ClinVar:

NM_002471.4(MYH6):c.2965G>A (p.Glu989Lys)

Gene: MYH6 (myosin heavy chain 6; minus strand). Cytogenetic location: 14q11.2.
Variant type: single nucleotide variant.
Coding change: c.2965G>A on transcript NM_002471.4 (MANE Select); coding-DNA position 2965, G replaced by A.
Protein change: p.Glu989Lys; replaces glutamic acid 989 with lysine.
Molecular consequence: missense variant.
Genome position (GRCh38, 1-based): chr14:23,393,482, C>T on the plus strand (G>A on the coding strand, the complement: MYH6 is on the minus strand). VCF-style: chr14-23393482-C-T. GRCh37 (hg19) VCF-style: chr14-23862691-C-T.
Other names: short protein forms E989K.
Identifiers: ClinVar variation 581153 (VCV000581153.14), dbSNP rs369774403, ClinGen allele CA7115336.
Genomic context (GRCh38, chr14:23,393,482, plus strand): 5'-GGGCCTGCTGATGGGCCTCTTGTAGAGCTTTCTTCTCCTTGGTCAGCTTAGCGATGATTT[C>T]ATCCAGCCCAGCCATCTCCTCTGTTAGGTTCTTCACCTGCCGACCAAAAACCCATCCCCT-3'
Protein context (NP_002462.2, residues 979-999): NLTEEMAGLD[Glu989Lys]IIAKLTKEKK

ClinVar aggregate classification (germline): Uncertain significance. Review status: criteria provided, multiple submitters, no conflicts (2 of 4 stars). 4 submissions from 4 submitters: Uncertain significance (4). Last evaluated 2026-06-27.

Conditions:
MYH6-related disorder. Also called: MYH6-Related Disorders; MYH6-related condition.
Cardiovascular phenotype. Identifiers: MedGen CN230736.
Hypertrophic cardiomyopathy 14. Identifiers: MedGen C2750467, MONDO:0013197, OMIM 613251.

Allele frequency attached by ClinVar (database versions not stated): gnomAD exomes below 0.00001 and 0.00002; ExAC 0.00004; gnomAD 0.00004; TOPMed 0.00004; ESP Exome Variant Server 0.00008.
gnomAD v4.1: 7 of 1,614,060 alleles (0.00043%); highest among the groups gnomAD compares: African/African-American, 0.0093%; no homozygotes.

Submissions (4):

PreventionGenetics, part of Exact Sciences
Classification: Uncertain significance for MYH6-related condition. Last evaluated: 2026-06-27. Review status: criteria provided, single submitter. Criteria: ACMG Guidelines, 2015. Collection method: clinical testing. Allele origin: germline.
Comment: The MYH6 c.2965G>A variant is predicted to result in the amino acid substitution p.Glu989Lys. To our knowledge, this variant has not been reported in the literature. This variant is reported in 0.025% of alleles in individuals of African descent in gnomAD. At this time, the clinical significance of this variant is uncertain due to the absence of conclusive functional and genetic evidence.

Labcorp Genetics (formerly Invitae), Labcorp
Classification: Uncertain significance for Hypertrophic cardiomyopathy 14. Last evaluated: 2025-11-23. Review status: criteria provided, single submitter. Criteria: Invitae Variant Classification Sherloc (09022015). Collection method: clinical testing. Allele origin: germline.
Comment: This sequence change replaces glutamic acid, which is acidic and polar, with lysine, which is basic and polar, at codon 989 of the MYH6 protein (p.Glu989Lys). This variant is present in population databases (rs369774403, gnomAD 0.02%). This variant has not been reported in the literature in individuals affected with MYH6-related conditions. ClinVar contains an entry for this variant (Variation ID: 581153). Invitae Evidence Modeling of protein sequence and biophysical properties (such as structural, functional, and spatial information, amino acid conservation, physicochemical variation, residue mobility, and thermodynamic stability) indicates that this missense variant is expected to disrupt MYH6 protein function with a positive predictive value of 80%. In summary, the available evidence is currently insufficient to determine the role of this variant in disease. Therefore, it has been classified as a Variant of Uncertain Significance.

Ambry Genetics
Classification: Uncertain significance for Cardiovascular phenotype. Last evaluated: 2025-08-28. Review status: criteria provided, single submitter. Criteria: Ambry Variant Classification Scheme 2023. Collection method: clinical testing. Allele origin: germline.
Comment: The p.E989K variant (also known as c.2965G>A), located in coding exon 21 of the MYH6 gene, results from a G to A substitution at nucleotide position 2965. The glutamic acid at codon 989 is replaced by lysine, an amino acid with similar properties. This amino acid position is highly conserved in available vertebrate species. In addition, this alteration is predicted to be deleterious by in silico analysis. Since supporting evidence is limited at this time, the clinical significance of this alteration remains unclear.

AiLife Diagnostics
Classification: Uncertain significance. Last evaluated: 2022-01-06. Review status: criteria provided, single submitter. Criteria: ACMG Guidelines, 2015. Collection method: clinical testing. Allele origin: germline. Affected: yes. Observed: 1 variant allele.